The following is an entry in ClinVar:

NM_001277115.2(DNAH11):c.314G>C (p.Ser105Thr)

Gene: DNAH11 (dynein axonemal heavy chain 11; plus strand). Cytogenetic location: 7p15.3.
Variant type: single nucleotide variant.
Coding change: c.314G>C on transcript NM_001277115.2 (MANE Select); coding-DNA position 314, G replaced by C.
Protein change: p.Ser105Thr; replaces serine 105 with threonine.
Molecular consequence: missense variant.
Genome position (GRCh38, 1-based): chr7:21,543,559, G>C. VCF-style: chr7-21543559-G-C. GRCh37 (hg19) VCF-style: chr7-21583177-G-C.
Other names: short protein forms S105T.
Identifiers: ClinVar variation 1446197 (VCV001446197.6), dbSNP rs755427308, ClinGen allele CA4178649.

ClinVar aggregate classification (germline): Uncertain significance (1 of 4 stars; one submission).

Conditions:
Primary ciliary dyskinesia. Also called: Ciliary dyskinesia. Identifiers: Orphanet 244, MedGen C0008780, MONDO:0016575, HP:0012265.

Allele frequency attached by ClinVar (database versions not stated): TOPMed below 0.00001; gnomAD 0.00001; ExAC 0.00002.
gnomAD v4.1: 1 of 1,606,252 alleles (0.000062%); highest among the groups gnomAD compares: Non-Finnish European, 0.000085%; no homozygotes.

Submission:

Labcorp Genetics (formerly Invitae), Labcorp
Classification: Uncertain significance for Primary ciliary dyskinesia. Last evaluated: 2023-11-27. Review status: criteria provided, single submitter. Criteria: Invitae Variant Classification Sherloc (09022015). Collection method: clinical testing. Allele origin: germline.
Comment: This sequence change replaces serine, which is neutral and polar, with threonine, which is neutral and polar, at codon 105 of the DNAH11 protein (p.Ser105Thr). This variant is not present in population databases (gnomAD no frequency). This variant has not been reported in the literature in individuals affected with DNAH11-related conditions. ClinVar contains an entry for this variant (Variation ID: 1446197). Advanced modeling of protein sequence and biophysical properties (such as structural, functional, and spatial information, amino acid conservation, physicochemical variation, residue mobility, and thermodynamic stability) performed at Invitae indicates that this missense variant is not expected to disrupt DNAH11 protein function with a negative predictive value of 95%. In summary, the available evidence is currently insufficient to determine the role of this variant in disease. Therefore, it has been classified as a Variant of Uncertain Significance.